The following is an entry in ClinVar:

ClinVar aggregate classification (germline): Pathogenic/Likely pathogenic. Review status: criteria provided, multiple submitters, no conflicts (2 of 4 stars). 4 submissions from 4 submitters: Pathogenic (2); Likely pathogenic (1). 1 of the submissions does not count toward it. Last evaluated 2025-11-18.

Conditions:
Deficiency of acetyl-CoA acetyltransferase. Also called: 3-KETOTHIOLASE DEFICIENCY; 3-OXOTHIOLASE DEFICIENCY; Beta-ketothiolase deficiency; MITOCHONDRIAL ACETOACETYL-CoA THIOLASE DEFICIENCY. Identifiers: Orphanet 134, MedGen C1536500, MONDO:0008760, OMIM 203750. Disease mechanism: loss of function.

Submissions (4):

Natera, Inc.
Classification: Likely pathogenic for Alpha-methylacetoacetic aciduria. Last evaluated: 2025-11-18. Review status: criteria provided, single submitter. Criteria: Natera Variant Classification Schema (03/2026). Collection method: clinical testing. Allele origin: germline.
Comment: The c.410_418delinsT variant in ACAT1 is a frameshift variant predicted to shift the reading frame beginning at codon 137 and leads to a stop codon 37 codons downstream. This variant is expected to result in nonsense mediated decay, truncation, or a dysfunctional protein product. This variant is rare in the general population with a frequency below the threshold expected for the associated phenotype(s). Given the available evidence, this variant is classified as Likely Pathogenic.

Genomic Medicine Center of Excellence, King Faisal Specialist Hospital and Research Centre
Classification: Pathogenic for Deficiency of acetyl-CoA acetyltransferase. Last evaluated: 2025-09-10. Review status: criteria provided, single submitter. Criteria: ACMG Guidelines, 2015. Collection method: clinical testing. Allele origin: germline.

3billion
Classification: Pathogenic for Deficiency of acetyl-CoA acetyltransferase. Last evaluated: 2025-07-15. Review status: criteria provided, single submitter. Criteria: ACMG Guidelines, 2015. Collection method: clinical testing. Allele origin: germline. Affected: yes.
Comment: The variant is not observed in the gnomAD v4.1.0 dataset. Predicted Consequence/Location: Frameshift: predicted to result in a loss or disruption of normal protein function through nonsense-mediated decay (NMD) or protein truncation. Multiple pathogenic variants are reported downstream of the variant. Therefore, this variant is classified as Pathogenic according to the recommendation of ACMG/AMP guideline.

Biochemical Molecular Genetic Laboratory, King Abdulaziz Medical City
Classification: Likely pathogenic for Deficiency of acetyl-CoA acetyltransferase. Last evaluated: 2019-08-25. Review status: no assertion criteria provided. Collection method: clinical testing. Allele origin: germline. Affected: yes. Not counted in ClinVar's aggregate classification.

NM_000019.4(ACAT1):c.410_418delinsT (p.Ser137fs)

Gene: ACAT1 (acetyl-CoA acetyltransferase 1; plus strand). Cytogenetic location: 11q22.3.
Variant type: Indel.
Coding change: c.410_418delinsT on transcript NM_000019.4 (MANE Select); coding-DNA positions 410 to 418, CTCAAAGTC replaced by T.
Protein change: p.Ser137fs; shifts the reading frame from serine 137.
Molecular consequence: frameshift variant.
Genome position (GRCh38, 1-based): chr11:108,135,217-108,135,225, CTCAAAGTC replaced by T. VCF-style: chr11-108135217-CTCAAAGTC-T. GRCh37 (hg19) VCF-style: chr11-108005944-CTCAAAGTC-T.
Other names: short protein forms S137fs.
Identifiers: ClinVar variation 800859 (VCV000800859.4), dbSNP rs1591363795, ClinGen allele CA915947688.